The following is an entry in ClinVar:

ClinVar aggregate classification (germline): Uncertain significance. Review status: criteria provided, multiple submitters, no conflicts (2 of 4 stars). 2 submissions from 2 submitters: Uncertain significance (2). Last evaluated 2026-01-06.

Conditions:
Charcot-Marie-Tooth disease, type I (CMT1). Also called: Charcot-Marie-Tooth, Type 1; Charcot-Marie-Tooth disease type 1. Identifiers: Orphanet 65753, MedGen C0751036, MONDO:0019011.

Allele frequency attached by ClinVar (database versions not stated): TOPMed below 0.00001; gnomAD 0.00001; gnomAD exomes 0.00001.
gnomAD v4.1: 11 of 1,614,034 alleles (0.00068%); highest among the groups gnomAD compares: African/African-American, 0.004%; no homozygotes.

Submissions (2):

Labcorp Genetics (formerly Invitae), Labcorp
Classification: Uncertain significance for Charcot-Marie-Tooth disease, type I. Last evaluated: 2026-01-06. Review status: criteria provided, single submitter. Criteria: Invitae Variant Classification Sherloc (09022015). Collection method: clinical testing. Allele origin: germline.
Comment: This sequence change replaces serine, which is neutral and polar, with threonine, which is neutral and polar, at codon 25 of the MPZ protein (p.Ser25Thr). This variant is not present in population databases (gnomAD no frequency). This variant has not been reported in the literature in individuals affected with MPZ-related conditions. ClinVar contains an entry for this variant (Variation ID: 570817). Invitae Evidence Modeling of protein sequence and biophysical properties (such as structural, functional, and spatial information, amino acid conservation, physicochemical variation, residue mobility, and thermodynamic stability) indicates that this missense variant is not expected to disrupt MPZ protein function with a negative predictive value of 80%. In summary, the available evidence is currently insufficient to determine the role of this variant in disease. Therefore, it has been classified as a Variant of Uncertain Significance.

Athena Diagnostics
Classification: Uncertain significance. Last evaluated: 2017-12-14. Review status: criteria provided, single submitter. Criteria: Athena Diagnostics Criteria. Collection method: clinical testing. Allele origin: germline.

NM_000530.8(MPZ):c.73T>A (p.Ser25Thr)

Gene: MPZ (myelin protein zero; minus strand). Cytogenetic location: 1q23.3.
Variant type: single nucleotide variant.
Coding change: c.73T>A on transcript NM_000530.8 (MANE Select); coding-DNA position 73, T replaced by A.
Protein change: p.Ser25Thr; replaces serine 25 with threonine.
Molecular consequence: missense variant.
Genome position (GRCh38, 1-based): chr1:161,307,419, A>T on the plus strand (T>A on the coding strand, the complement: MPZ is on the minus strand). VCF-style: chr1-161307419-A-T. GRCh37 (hg19) VCF-style: chr1-161277209-A-T.
Other names: c.73T>A (LRG_256t1); c.73T>A, p.Ser25Thr (NM_001315491.2); short protein forms S25T.
Identifiers: ClinVar variation 570817 (VCV000570817.8), dbSNP rs997633417, ClinGen allele CA31669795.